The following is an entry in ClinVar:

ClinVar aggregate classification (germline): Benign (1 of 4 stars; one submission).

Allele frequency attached by ClinVar (database versions not stated): 1000 Genomes Project 30x 0.65381; 1000 Genomes Project 0.65775; TOPMed 0.70095; gnomAD 0.70953 and 0.71390.
gnomAD v4.1: 107,753 of 151,956 alleles (71%); highest among the groups gnomAD compares: Middle Eastern, 78%; 38,439 homozygotes.

Submission:

GeneDx
Classification: Benign. Last evaluated: 2018-06-14. Review status: criteria provided, single submitter. Criteria: GeneDx Variant Classification (06012015). Collection method: clinical testing. Allele origin: germline. Affected: yes.
Comment: This variant is considered likely benign or benign based on one or more of the following criteria: it is a conservative change, it occurs at a poorly conserved position in the protein, it is predicted to be benign by multiple in silico algorithms, and/or has population frequency not consistent with disease.

NM_014844.5(TECPR2):c.638+193T>G

Gene: TECPR2 (tectonin beta-propeller repeat containing 2; plus strand). Cytogenetic location: 14q32.31.
Variant type: single nucleotide variant.
Coding change: c.638+193T>G on transcript NM_014844.5 (MANE Select); 193 bases into the intron after coding-DNA position 638, T replaced by G.
Molecular consequence: intron variant.
Genome position (GRCh38, 1-based): chr14:102,414,986, T>G. VCF-style: chr14-102414986-T-G. GRCh37 (hg19) VCF-style: chr14-102881323-T-G.
Other names: c.638+193T>G (NM_001172631.3).
Identifiers: ClinVar variation 670231 (VCV000670231.1), dbSNP rs9324048, ClinGen allele CA14013952.